The following is an entry in ClinVar:

NM_001853.4(COL9A3):c.1559C>T (p.Ala520Val)

Genes: COL9A3 (collagen type IX alpha 3 chain; plus strand), LOC126863084 (MED14-independent group 3 enhancer GRCh37_chr20:61467141-61468340; plus strand). Cytogenetic location: 20q13.33.
Variant type: single nucleotide variant.
Coding change: c.1559C>T on transcript NM_001853.4 (MANE Select); coding-DNA position 1559, C replaced by T.
Protein change: p.Ala520Val; replaces alanine 520 with valine.
Molecular consequence: missense variant.
Genome position (GRCh38, 1-based): chr20:62,836,488, C>T. VCF-style: chr20-62836488-C-T. GRCh37 (hg19) VCF-style: chr20-61467840-C-T.
Other names: short protein forms A520V.
Identifiers: ClinVar variation 4803146 (VCV004803146.1).

ClinVar aggregate classification (germline): Uncertain significance (1 of 4 stars; one submission).

Submission:

Labcorp Genetics (formerly Invitae), Labcorp
Classification: Uncertain significance. Last evaluated: 2025-08-03. Review status: criteria provided, single submitter. Criteria: Invitae Variant Classification Sherloc (09022015). Collection method: clinical testing. Allele origin: germline.
Comment: This sequence change replaces alanine, which is neutral and non-polar, with valine, which is neutral and non-polar, at codon 520 of the COL9A3 protein (p.Ala520Val). This variant is not present in population databases (gnomAD no frequency). This variant has not been reported in the literature in individuals affected with COL9A3-related conditions. Invitae Evidence Modeling of protein sequence and biophysical properties (such as structural, functional, and spatial information, amino acid conservation, physicochemical variation, residue mobility, and thermodynamic stability) indicates that this missense variant is not expected to disrupt COL9A3 protein function with a negative predictive value of 95%. In summary, the available evidence is currently insufficient to determine the role of this variant in disease. Therefore, it has been classified as a Variant of Uncertain Significance.